The following is an entry in ClinVar:

ClinVar aggregate classification (germline): Uncertain significance. Review status: criteria provided, multiple submitters, no conflicts (2 of 4 stars). 3 submissions from 3 submitters: Uncertain significance (3). Last evaluated 2025-01-11.

Conditions:
Inborn genetic diseases. Identifiers: MedGen C0950123, MeSH D030342.

gnomAD v4.1: 8 of 1,613,684 alleles (0.0005%); highest among the groups gnomAD compares: Non-Finnish European, 0.00068%; no homozygotes.

Submissions (3):

Labcorp Genetics (formerly Invitae), Labcorp
Classification: Uncertain significance. Last evaluated: 2025-01-11. Review status: criteria provided, single submitter. Criteria: Invitae Variant Classification Sherloc (09022015). Collection method: clinical testing. Allele origin: germline.
Comment: This sequence change replaces tryptophan, which is neutral and slightly polar, with arginine, which is basic and polar, at codon 696 of the SAMD9L protein (p.Trp696Arg). This variant is not present in population databases (gnomAD no frequency). This variant has not been reported in the literature in individuals affected with SAMD9L-related conditions. Invitae Evidence Modeling of protein sequence and biophysical properties (such as structural, functional, and spatial information, amino acid conservation, physicochemical variation, residue mobility, and thermodynamic stability) indicates that this missense variant is expected to disrupt SAMD9L protein function with a positive predictive value of 80%. In summary, the available evidence is currently insufficient to determine the role of this variant in disease. Therefore, it has been classified as a Variant of Uncertain Significance.

Ambry Genetics
Classification: Uncertain significance for Inborn genetic diseases. Last evaluated: 2024-11-21. Review status: criteria provided, single submitter. Criteria: Ambry Variant Classification Scheme 2023. Collection method: clinical testing. Allele origin: germline.
Comment: The p.W696R variant (also known as c.2086T>C), located in coding exon 1 of the SAMD9L gene, results from a T to C substitution at nucleotide position 2086. The tryptophan at codon 696 is replaced by arginine, an amino acid with dissimilar properties. This amino acid position is conserved. In addition, the in silico prediction for this alteration is inconclusive. Based on the available evidence, the clinical significance of this variant remains unclear.

GeneDx
Classification: Uncertain significance. Last evaluated: 2023-12-03. Review status: criteria provided, single submitter. Criteria: GeneDx Variant Classification Process June 2021. Collection method: clinical testing. Allele origin: germline. Affected: yes.
Comment: Not observed at significant frequency in large population cohorts (gnomAD); In silico analysis supports that this missense variant has a deleterious effect on protein structure/function; Has not been previously published as pathogenic or benign to our knowledge

NM_152703.5(SAMD9L):c.2086T>C (p.Trp696Arg)

Gene: SAMD9L (sterile alpha motif domain containing 9 like; minus strand). Cytogenetic location: 7q21.2.
Variant type: single nucleotide variant.
Coding change: c.2086T>C on transcript NM_152703.5 (MANE Select); coding-DNA position 2086, T replaced by C.
Protein change: p.Trp696Arg; replaces tryptophan 696 with arginine.
Molecular consequence: missense variant.
Genome position (GRCh38, 1-based): chr7:93,133,886, A>G on the plus strand (T>C on the coding strand, the complement: SAMD9L is on the minus strand). VCF-style: chr7-93133886-A-G. GRCh37 (hg19) VCF-style: chr7-92763199-A-G.
Other names: c.2086T>C (NM_152703.2); c.2086T>C, p.Trp696Arg (NM_001303496.3, NM_001303497.3, NM_001303498.3 and 5 more transcripts); short protein forms W696R.
Identifiers: ClinVar variation 3365132 (VCV003365132.4).